The following is an entry in ClinVar:

ClinVar aggregate classification (germline): Uncertain significance. Review status: criteria provided, multiple submitters, no conflicts (2 of 4 stars). 4 submissions from 4 submitters: Uncertain significance (4). Last evaluated 2025-09-14.

Conditions:
Autoinflammation-PLCG2-associated antibody deficiency-immune dysregulation. Also called: Autoinflammation, antibody deficiency, and immune dysregulation, plcg2-associated; AUTOINFLAMMATION, ANTIBODY DEFICIENCY, AND IMMUNE DYSREGULATION; Autoinflammation, antibody deficiency, and immune dysregulation syndrome. Identifiers: Orphanet 324530, MedGen C3553961, MONDO:0013944, OMIM 614878.
Familial cold autoinflammatory syndrome 3 (FCAS3). Also called: ANTIBODY DEFICIENCY AND IMMUNE DYSREGULATION, PLCG2-ASSOCIATED; FAMILIAL ATYPICAL COLD URTICARIA. Identifiers: Orphanet 300359, MedGen C3280914, MONDO:0013766, OMIM 614468.

Allele frequency attached by ClinVar (database versions not stated): gnomAD 0.00002; TOPMed 0.00002; ESP Exome Variant Server 0.00008.
gnomAD v4.1: 24 of 1,613,708 alleles (0.0015%); highest among the groups gnomAD compares: Non-Finnish European, 0.0019%; no homozygotes.

Submissions (4):

Labcorp Genetics (formerly Invitae), Labcorp
Classification: Uncertain significance for Familial cold autoinflammatory syndrome 3. Last evaluated: 2025-09-14. Review status: criteria provided, single submitter. Criteria: Invitae Variant Classification Sherloc (09022015). Collection method: clinical testing. Allele origin: germline.
Comment: This sequence change replaces proline, which is neutral and non-polar, with arginine, which is basic and polar, at codon 1127 of the PLCG2 protein (p.Pro1127Arg). This variant is present in population databases (rs369259797, gnomAD 0.004%). This variant has not been reported in the literature in individuals affected with PLCG2-related conditions. ClinVar contains an entry for this variant (Variation ID: 570611). An algorithm developed to predict the effect of missense changes on protein structure and function (PolyPhen-2) suggests that this variant is likely to be disruptive. In summary, the available evidence is currently insufficient to determine the role of this variant in disease. Therefore, it has been classified as a Variant of Uncertain Significance.

Fulgent Genetics
Classification: Uncertain significance for Familial cold autoinflammatory syndrome 3; Autoinflammation-PLCG2-associated antibody deficiency-immune dysregulation. Last evaluated: 2022-04-24. Review status: criteria provided, single submitter. Criteria: ACMG Guidelines, 2015. Collection method: clinical testing. Allele origin: unknown.

CeGaT Center for Human Genetics Tuebingen
Classification: Uncertain significance. Last evaluated: 2020-12-01. Review status: criteria provided, single submitter. Criteria: CeGaT Center For Human Genetics Tuebingen Variant Classification Criteria Version 2. Collection method: clinical testing. Allele origin: germline. Affected: yes. Observed: 1 variant allele.

Mayo Clinic Laboratories, Mayo Clinic
Classification: Uncertain significance. Last evaluated: 2020-06-10. Review status: criteria provided, single submitter. Criteria: ACMG Guidelines, 2015. Collection method: clinical testing. Allele origin: germline. Observed: 1 variant allele.

NM_002661.5(PLCG2):c.3380C>G (p.Pro1127Arg)

Gene: PLCG2 (phospholipase C gamma 2; plus strand). Cytogenetic location: 16q23.3.
Variant type: single nucleotide variant.
Coding change: c.3380C>G on transcript NM_002661.5 (MANE Select); coding-DNA position 3380, C replaced by G.
Protein change: p.Pro1127Arg; replaces proline 1127 with arginine.
Molecular consequence: missense variant.
Genome position (GRCh38, 1-based): chr16:81,939,958, C>G. VCF-style: chr16-81939958-C-G. GRCh37 (hg19) VCF-style: chr16-81973563-C-G.
Other names: short protein forms P1127R.
Identifiers: ClinVar variation 570611 (VCV000570611.52), dbSNP rs369259797, ClinGen allele CA8194700.